The following is an entry in ClinVar:

NM_006118.4(HAX1):c.781C>G (p.Leu261Val)

Gene: HAX1 (HCLS1 associated protein X-1; plus strand). Cytogenetic location: 1q21.3.
Variant type: single nucleotide variant.
Coding change: c.781C>G on transcript NM_006118.4 (MANE Select); coding-DNA position 781, C replaced by G.
Protein change: p.Leu261Val; replaces leucine 261 with valine.
Molecular consequence: missense variant.
Genome position (GRCh38, 1-based): chr1:154,275,642, C>G. VCF-style: chr1-154275642-C-G. GRCh37 (hg19) VCF-style: chr1-154248118-C-G.
Other names: c.637C>G, p.Leu213Val (NM_001018837.2); short protein forms L261V, L213V.
Identifiers: ClinVar variation 1524190 (VCV001524190.6), dbSNP rs2149140834, ClinGen allele CA342594081.

ClinVar aggregate classification (germline): Uncertain significance (1 of 4 stars; one submission).

Conditions:
Kostmann syndrome (SCN3). Also called: KOSTMANN DISEASE; Autosomal recessive severe congenital neutropenia type 3. Identifiers: Orphanet 99749, MedGen C5235141, MONDO:0012548, OMIM 610738.

gnomAD v4.1: 1 of 1,614,030 alleles (0.000062%); highest among the groups gnomAD compares: Non-Finnish European, 0.000085%; no homozygotes.

Submission:

Labcorp Genetics (formerly Invitae), Labcorp
Classification: Uncertain significance for Kostmann syndrome. Last evaluated: 2021-10-10. Review status: criteria provided, single submitter. Criteria: Invitae Variant Classification Sherloc (09022015). Collection method: clinical testing. Allele origin: germline.
Comment: This sequence change replaces leucine with valine at codon 261 of the HAX1 protein (p.Leu261Val). The leucine residue is moderately conserved and there is a small physicochemical difference between leucine and valine. This variant is not present in population databases (ExAC no frequency). This variant has not been reported in the literature in individuals affected with HAX1-related conditions. Algorithms developed to predict the effect of missense changes on protein structure and function are either unavailable or do not agree on the potential impact of this missense change (SIFT: "Deleterious"; PolyPhen-2: "Possibly Damaging"; Align-GVGD: "Class C0"). In summary, the available evidence is currently insufficient to determine the role of this variant in disease. Therefore, it has been classified as a Variant of Uncertain Significance.